The following is an entry in ClinVar:

ClinVar aggregate classification (germline): Uncertain significance (1 of 4 stars; one submission).

Submission:

Labcorp Genetics (formerly Invitae), Labcorp
Classification: Uncertain significance. Last evaluated: 2023-08-01. Review status: criteria provided, single submitter. Criteria: Invitae Variant Classification Sherloc (09022015). Collection method: clinical testing. Allele origin: germline.
Comment: This sequence change replaces phenylalanine, which is neutral and non-polar, with valine, which is neutral and non-polar, at codon 172 of the HTRA2 protein (p.Phe172Val). This variant is not present in population databases (gnomAD no frequency). This variant has not been reported in the literature in individuals affected with HTRA2-related conditions. Advanced modeling of protein sequence and biophysical properties (such as structural, functional, and spatial information, amino acid conservation, physicochemical variation, residue mobility, and thermodynamic stability) performed at Invitae indicates that this missense variant is not expected to disrupt HTRA2 protein function. In summary, the available evidence is currently insufficient to determine the role of this variant in disease. Therefore, it has been classified as a Variant of Uncertain Significance.

NM_013247.5(HTRA2):c.514T>G (p.Phe172Val)

Gene: HTRA2 (HtrA serine peptidase 2; plus strand). Cytogenetic location: 2p13.1.
Variant type: single nucleotide variant.
Coding change: c.514T>G on transcript NM_013247.5 (MANE Select); coding-DNA position 514, T replaced by G.
Protein change: p.Phe172Val; replaces phenylalanine 172 with valine.
Molecular consequence: missense variant. On other transcripts: non-coding transcript variant (4).
Genome position (GRCh38, 1-based): chr2:74,530,624, T>G. VCF-style: chr2-74530624-T-G. GRCh37 (hg19) VCF-style: chr2-74757751-T-G.
Other names: c.514T>G, p.Phe172Val (NM_001321727.1, NM_001321728.1, NM_145074.2); short protein forms F172V.
Identifiers: ClinVar variation 2749086 (VCV002749086.3), dbSNP rs2529883181, ClinGen allele CA347378842.